The following is an entry in ClinVar:

ClinVar aggregate classification (germline): Uncertain significance (1 of 4 stars; one submission).

Conditions:
Combined immunodeficiency due to DOCK8 deficiency (HIES2). Also called: HYPER-IgE SYNDROME 2, AUTOSOMAL RECESSIVE, WITH RECURRENT INFECTIONS; DOCK8 Deficiency; HIES autosomal recessive; Hyper-IgE recurrent infection syndrome, autosomal recessive; HYPER-IgE RECURRENT INFECTION SYNDROME 2, AUTOSOMAL RECESSIVE. Identifiers: Orphanet 217390, MedGen C4722305, MONDO:0009478, OMIM 243700.

gnomAD v4.1: 1 of 1,614,160 alleles (0.000062%); highest among the groups gnomAD compares: African/African-American, 0.0013%; no homozygotes.

Submission:

Labcorp Genetics (formerly Invitae), Labcorp
Classification: Uncertain significance for Combined immunodeficiency due to DOCK8 deficiency. Last evaluated: 2025-05-25. Review status: criteria provided, single submitter. Criteria: Invitae Variant Classification Sherloc (09022015). Collection method: clinical testing. Allele origin: germline.
Comment: This sequence change replaces glutamic acid, which is acidic and polar, with glutamine, which is neutral and polar, at codon 172 of the DOCK8 protein (p.Glu172Gln). This variant is not present in population databases (gnomAD no frequency). This variant has not been reported in the literature in individuals affected with DOCK8-related conditions. Invitae Evidence Modeling of protein sequence and biophysical properties (such as structural, functional, and spatial information, amino acid conservation, physicochemical variation, residue mobility, and thermodynamic stability) indicates that this missense variant is not expected to disrupt DOCK8 protein function with a negative predictive value of 80%. In summary, the available evidence is currently insufficient to determine the role of this variant in disease. Therefore, it has been classified as a Variant of Uncertain Significance.

NM_203447.4(DOCK8):c.514G>C (p.Glu172Gln)

Gene: DOCK8 (dedicator of cytokinesis 8; plus strand). Cytogenetic location: 9p24.3.
Variant type: single nucleotide variant.
Coding change: c.514G>C on transcript NM_203447.4 (MANE Select); coding-DNA position 514, G replaced by C.
Protein change: p.Glu172Gln; replaces glutamic acid 172 with glutamine.
Molecular consequence: missense variant.
Genome position (GRCh38, 1-based): chr9:304,690, G>C. VCF-style: chr9-304690-G-C. GRCh37 (hg19) VCF-style: chr9-304690-G-C.
Other names: c.310G>C, p.Glu104Gln (NM_001190458.2, NM_001193536.2); short protein forms E104Q, E172Q.
Identifiers: ClinVar variation 4740631 (VCV004740631.1).